The following is an entry in ClinVar:

ClinVar aggregate classification (germline): Uncertain significance. Review status: criteria provided, multiple submitters, no conflicts (2 of 4 stars). 11 submissions from 11 submitters: Uncertain significance (9). 2 of the submissions do not count toward it. Last evaluated 2025-12-10.

Conditions:
PKHD1-related disorder. Also called: PKHD1-related condition.
Polycystic kidney disease 4 (PKD4). Also called: POLYCYSTIC KIDNEY AND HEPATIC DISEASE 1; POLYCYSTIC KIDNEY DISEASE, INFANTILE, TYPE I; POLYCYSTIC KIDNEY DISEASE 4 WITH OR WITHOUT POLYCYSTIC LIVER DISEASE; Autosomal Recessive Polycystic Kidney Disease – PKHD1; PKD3. Identifiers: MedGen C4540575, MONDO:0033004, OMIM 263200.
Inborn genetic diseases. Identifiers: MedGen C0950123, MeSH D030342.
Autosomal recessive polycystic kidney disease (ARPKD). Also called: AR polycystic kidney disease. Identifiers: Orphanet 731, Orphanet 8378, MedGen C0085548, MeSH D017044, MONDO:0009889.

Allele frequency attached by ClinVar (database versions not stated): TOPMed 0.00019; gnomAD 0.00023 and 0.00025; ESP Exome Variant Server 0.00031; gnomAD exomes 0.00020 and 0.00040; ExAC 0.00028.
gnomAD v4.1: 638 of 1,613,634 alleles (0.04%); highest among the groups gnomAD compares: Non-Finnish European, 0.049%; no homozygotes.

Submissions (11):

PreventionGenetics, part of Exact Sciences
Classification: Uncertain significance for PKHD1-related condition. Last evaluated: 2025-12-10. Review status: criteria provided, single submitter. Criteria: ACMG Guidelines, 2015. Collection method: clinical testing. Allele origin: germline.
Comment: The PKHD1 c.10909C>T variant is predicted to result in the amino acid substitution p.Arg3637Cys. This variant has been reported in the homozygous state in an infant with cholestasis, acholic stool, and high gamma-glutamyltransferase (Sağ et al. 2018. PubMed ID: 30260789) as well as an individual with abnormal liver morphology in a cohort of individuals presenting with autosomal recessive polycystic kidney disease or congenital hepatic fibrosis (M200, Table 2, Adeva et al. 2006. PubMed ID: 16523049). This variant is reported in 0.040% of alleles in individuals of European (Non-Finnish) descent in gnomAD. While we suspect this variant could be pathogenic, at this time we interpret its clinical significance as uncertain due to the absence of conclusive functional and genetic evidence.

Women's Health and Genetics/Laboratory Corporation of America, LabCorp
Classification: Uncertain significance. Last evaluated: 2025-11-17. Review status: criteria provided, single submitter. Criteria: LabCorp Variant Classification Summary - May 2015. Collection method: clinical testing. Allele origin: germline.
Comment: Variant summary: PKHD1 c.10909C>T (p.Arg3637Cys) results in a non-conservative amino acid change in the encoded protein sequence. Algorithms developed to predict the effect of missense changes on protein structure and function are either unavailable or do not agree on the potential impact of this missense change. The variant allele was found at a frequency of 0.0002 in 250884 control chromosomes. This frequency is not significantly higher than estimated for disease-causing variants in PKHD1, allowing no conclusion about variant significance. c.10909C>T has been reported in the literature in at-least two individuals affected with features of Autosomal recessive polycystic kidney disease (example, Adeva_2006, Sag_2018). These data indicate that the variant may be associated with disease. To our knowledge, no experimental evidence demonstrating an impact on protein function has been reported. The following publications have been ascertained in the context of this evaluation (PMID: 16523049, 30260789, 26990548, 37962562, 34426522). ClinVar contains an entry for this variant (Variation ID: 96368). Based on the evidence outlined above, the variant was classified as VUS-possibly pathogenic.

Ambry Genetics
Classification: Uncertain significance for Inborn genetic diseases. Last evaluated: 2025-04-29. Review status: criteria provided, single submitter. Criteria: Ambry Variant Classification Scheme 2023. Collection method: clinical testing. Allele origin: germline.
Comment: The c.10909C>T (p.R3637C) alteration is located in exon 61 (coding exon 60) of the PKHD1 gene. This alteration results from a C to T substitution at nucleotide position 10909, causing the arginine (R) at amino acid position 3637 to be replaced by a cysteine (C). Based on data from gnomAD, the T allele has an overall frequency of 0.02% (57/282284) total alleles studied. The highest observed frequency was 0.04% (52/128832) of European (non-Finnish) alleles. This amino acid position is well conserved in available vertebrate species. The in silico prediction for this alteration is inconclusive. Based on insufficient or conflicting evidence, the clinical significance of this alteration remains unclear.

Blueprint Genetics
Classification: Uncertain significance. Last evaluated: 2024-11-25. Review status: criteria provided, single submitter. Criteria: ACMG Guidelines, 2015. Collection method: clinical testing. Allele origin: germline.

Fulgent Genetics
Classification: Uncertain significance for Polycystic kidney disease 4. Last evaluated: 2024-04-24. Review status: criteria provided, single submitter. Criteria: ACMG Guidelines, 2015. Collection method: clinical testing. Allele origin: germline.

Labcorp Genetics (formerly Invitae), Labcorp
Classification: Uncertain significance for Autosomal recessive polycystic kidney disease. Last evaluated: 2021-08-25. Review status: criteria provided, single submitter. Criteria: Invitae Variant Classification Sherloc (09022015). Collection method: clinical testing. Allele origin: germline.
Comment: This sequence change replaces arginine with cysteine at codon 3637 of the PKHD1 protein (p.Arg3637Cys). The arginine residue is moderately conserved and there is a large physicochemical difference between arginine and cysteine. This variant is present in population databases (rs141349745, ExAC 0.04%). This missense change has been observed in individual(s) with symptoms of polycystic kidney disease (PMID: 16523049). ClinVar contains an entry for this variant (Variation ID: 96368). Algorithms developed to predict the effect of missense changes on protein structure and function are either unavailable or do not agree on the potential impact of this missense change (SIFT: "Deleterious"; PolyPhen-2: "Possibly Damaging"; Align-GVGD: "Class C0"). In summary, the available evidence is currently insufficient to determine the role of this variant in disease. Therefore, it has been classified as a Variant of Uncertain Significance.

GeneDx
Classification: Uncertain significance. Last evaluated: 2021-04-29. Review status: criteria provided, single submitter. Criteria: GeneDx Variant Classification Process June 2021. Collection method: clinical testing. Allele origin: germline. Affected: yes.
Comment: Observed in an unrelated patient with congenital hepatic fibrosis, kidney cysts, and kidney stones in the literature (Adeva et al., 2006); In silico analysis supports that this missense variant has a deleterious effect on protein structure/function; This variant is associated with the following publications: (PMID: 30260789, 16523049)

Eurofins Ntd Llc (ga)
Classification: Uncertain significance. Last evaluated: 2018-05-25. Review status: criteria provided, single submitter. Criteria: EGL ClinVar v180209 classification definitions. Collection method: clinical testing. Allele origin: germline. Observed: 3 variant alleles, 3 heterozygotes.

Illumina Laboratory Services, Illumina
Classification: Uncertain significance for Polycystic kidney disease 4. Last evaluated: 2017-04-27. Review status: criteria provided, single submitter. Criteria: ICSL Variant Classification Criteria 13 December 2019. Collection method: clinical testing. Allele origin: germline.
Comment: This variant was observed as part of a predisposition screen in an ostensibly healthy population. A literature search was performed for the gene, cDNA change, and amino acid change (where applicable). Publications were found based on this search. However, the evidence from the literature, in combination with allele frequency data from public databases where available, was not sufficient to rule this variant in or out of causing disease. Therefore, this variant is classified as a variant of unknown significance.

Natera, Inc.
Classification: Uncertain significance for Autosomal recessive polycystic kidney disease. Last evaluated: 2018-09-22. Review status: no assertion criteria provided. Collection method: clinical testing. Allele origin: germline. Not counted in ClinVar's aggregate classification.

Counsyl
Classification: Uncertain significance for Polycystic kidney disease 4. Last evaluated: 2017-12-28. Review status: no assertion criteria provided. Collection method: clinical testing. Allele origin: unknown. Not counted in ClinVar's aggregate classification.

Literature cited by the submitters: PubMed 16523049 (cited by 5 submitters); PubMed 26990548 (cited by Women's Health and Genetics/Laboratory Corporation of America, LabCorp and Ambry Genetics); PubMed 34426522 (cited by Women's Health and Genetics/Laboratory Corporation of America, LabCorp); PubMed 30260789 (cited by Women's Health and Genetics/Laboratory Corporation of America, LabCorp and Ambry Genetics); PubMed 37962562 (cited by Women's Health and Genetics/Laboratory Corporation of America, LabCorp); PubMed 24984783 (cited by Ambry Genetics).

NM_138694.4(PKHD1):c.10909C>T (p.Arg3637Cys)

Gene: PKHD1 (PKHD1 ciliary IPT domain containing fibrocystin/polyductin; minus strand). Cytogenetic location: 6p12.3.
Variant type: single nucleotide variant.
Coding change: c.10909C>T on transcript NM_138694.4 (MANE Select); coding-DNA position 10909, C replaced by T.
Protein change: p.Arg3637Cys; replaces arginine 3637 with cysteine.
Molecular consequence: missense variant.
Genome position (GRCh38, 1-based): chr6:51,659,217, G>A on the plus strand (C>T on the coding strand, the complement: PKHD1 is on the minus strand). VCF-style: chr6-51659217-G-A. GRCh37 (hg19) VCF-style: chr6-51524015-G-A.
Other names: short protein forms R3637C.
Identifiers: ClinVar variation 96368 (VCV000096368.31), dbSNP rs141349745, ClinGen allele CA224052.